The following is an entry in ClinVar:

ClinVar aggregate classification (germline): Uncertain significance (1 of 4 stars; one submission).

Submission:

GeneDx
Classification: Uncertain significance. Last evaluated: 2021-03-12. Review status: criteria provided, single submitter. Criteria: GeneDx Variant Classification Process June 2021. Collection method: clinical testing. Allele origin: germline. Affected: yes.
Comment: Has not been previously published as pathogenic or benign to our knowledge; In silico analysis, which includes protein predictors and evolutionary conservation, supports that this variant does not alter protein structure/function; Not observed in large population cohorts (Lek et al., 2016)

NM_000937.5(POLR2A):c.2500A>G (p.Thr834Ala)

Genes: POLR2A (RNA polymerase II subunit A; plus strand), LOC126862481 (BRD4-independent group 4 enhancer GRCh37_chr17:7405086-7406285; plus strand). Cytogenetic location: 17p13.1.
Variant type: single nucleotide variant.
Coding change: c.2500A>G on transcript NM_000937.5 (MANE Select); coding-DNA position 2500, A replaced by G.
Protein change: p.Thr834Ala; replaces threonine 834 with alanine.
Molecular consequence: missense variant.
Genome position (GRCh38, 1-based): chr17:7,502,050, A>G. VCF-style: chr17-7502050-A-G. GRCh37 (hg19) VCF-style: chr17-7405369-A-G.
Other names: short protein forms T834A.
Identifiers: ClinVar variation 1306804 (VCV001306804.2), dbSNP rs2150883114, ClinGen allele CA397889093.